The following is an entry in ClinVar:

NC_000019.9:g.(?_10244343)_(10610709_?)del

Genes: MRPL4 (mitochondrial ribosomal protein L4; plus strand), ZGLP1 (zinc finger GATA like protein 1; minus strand), ICAM3 (intercellular adhesion molecule 3; minus strand), PDE4A (phosphodiesterase 4A; plus strand), ICAM1 (intercellular adhesion molecule 1; plus strand) and 9 more. Cytogenetic location: 19p13.2.
Variant type: Deletion.
Identifiers: ClinVar variation 3248456 (VCV003248456.1).

ClinVar aggregate classification (germline): Pathogenic (1 of 4 stars; one submission).

Conditions:
Immunodeficiency 35 (IMD35). Also called: Susceptibility to infection due to TYK2 deficiency; HIES WITH ATYPICAL MYCOBACTERIOSIS, AUTOSOMAL RECESSIVE; HYPER-IgE SYNDROME WITH ATYPICAL MYCOBACTERIOSIS, AUTOSOMAL RECESSIVE; TYK2 DEFICIENCY. Identifiers: Orphanet 331226, MedGen C1969086, MONDO:0012682, OMIM 611521.

Submission:

Labcorp Genetics (formerly Invitae), Labcorp
Classification: Pathogenic for Immunodeficiency 35. Last evaluated: 2023-08-27. Review status: criteria provided, single submitter. Criteria: Invitae Variant Classification Sherloc (09022015). Collection method: clinical testing. Allele origin: unknown.
Comment: A gross deletion of the genomic region encompassing the full coding sequence of the TYK2 gene has been identified. Loss-of-function variants in TYK2 are known to be pathogenic (PMID: 22402565, 26304966). The boundaries of this event are unknown as they extend beyond the assayed region for this gene and therefore may encompass additional genes. This variant has not been reported in the literature in individuals affected with TYK2-related conditions. For these reasons, this variant has been classified as Pathogenic.

Literature cited by the submitters: PubMed 22402565; PubMed 26304966.